The following is an entry in ClinVar:

NM_001267550.2(TTN):c.11122C>G (p.Gln3708Glu)

Gene: TTN (titin; minus strand). Cytogenetic location: 2q31.2.
Variant type: single nucleotide variant.
Coding change: c.11122C>G on transcript NM_001267550.2 (MANE Select); coding-DNA position 11122, C replaced by G.
Protein change: p.Gln3708Glu; replaces glutamine 3708 with glutamic acid.
Molecular consequence: missense variant. On other transcripts: intron variant (5).
Genome position (GRCh38, 1-based): chr2:178,756,354, G>C on the plus strand (C>G on the coding strand, the complement: TTN is on the minus strand). VCF-style: chr2-178756354-G-C. GRCh37 (hg19) VCF-style: chr2-179621081-G-C.
Other names: c.10609C>G, p.Gln3537Glu (NM_133437.4); c.10165+2630C>G (NM_003319.4); c.10540+1188C>G (NM_133432.3); c.10303+2630C>G (NM_133378.4, NM_001256850.1, NM_133379.5); short protein forms Q3537E, Q3708E.
Identifiers: ClinVar variation 4072371 (VCV004072371.1).

ClinVar aggregate classification (germline): Uncertain significance (1 of 4 stars; one submission).

Conditions:
Dilated cardiomyopathy 1G (CMD1G). Identifiers: Orphanet 154, MedGen C1858763, MONDO:0011400, OMIM 604145.

gnomAD v4.1: 6 of 1,613,830 alleles (0.00037%); highest among the groups gnomAD compares: Non-Finnish European, 0.000085%; no homozygotes.

Submission:

IMHOTEP Cardiovascular Genetics Laboratory, University of Cape Town
Classification: Uncertain significance for Dilated cardiomyopathy 1G. Last evaluated: 2025-07-14. Review status: criteria provided, single submitter. Criteria: ACMG Guidelines, 2015. Collection method: research. Allele origin: germline. Inheritance: Autosomal unknown. Affected: yes.
Comment: Using ACMG/AMP PM1; BP4 and BP7 criteria, the classification of this variant is "Uncertain Significance".